The following is an entry in ClinVar:

NM_001256071.3(RNF213):c.10676G>A (p.Arg3559Gln)

Genes: RNF213 (ring finger protein 213; plus strand), RNF213-AS1 (RNF213 antisense RNA 1; minus strand). Cytogenetic location: 17q25.3.
Variant type: single nucleotide variant.
Coding change: c.10676G>A on transcript NM_001256071.3 (MANE Select); coding-DNA position 10676, G replaced by A.
Protein change: p.Arg3559Gln; replaces arginine 3559 with glutamine.
Molecular consequence: missense variant. On other transcripts: non-coding transcript variant (1).
Genome position (GRCh38, 1-based): chr17:80,354,116, G>A. VCF-style: chr17-80354116-G-A. GRCh37 (hg19) VCF-style: chr17-78327916-G-A.
Other names: c.10823G>A, p.Arg3608Gln (NM_001410195.1, NM_020914.5); short protein forms R3608Q, R3559Q.
Identifiers: ClinVar variation 2902873 (VCV002902873.3), dbSNP rs202119991, ClinGen allele CA8821517.

ClinVar aggregate classification (germline): Uncertain significance (1 of 4 stars; one submission).

gnomAD v4.1: 280 of 1,613,990 alleles (0.017%); highest among the groups gnomAD compares: Non-Finnish European, 0.022%; no homozygotes.

Submission:

Labcorp Genetics (formerly Invitae), Labcorp
Classification: Uncertain significance. Last evaluated: 2023-08-11. Review status: criteria provided, single submitter. Criteria: Invitae Variant Classification Sherloc (09022015). Collection method: clinical testing. Allele origin: germline.
Comment: Algorithms developed to predict the effect of missense changes on protein structure and function output the following: SIFT: "Not Available"; PolyPhen-2: "Benign"; Align-GVGD: "Not Available". The glutamine amino acid residue is found in multiple mammalian species, which suggests that this missense change does not adversely affect protein function. In summary, the available evidence is currently insufficient to determine the role of this variant in disease. Therefore, it has been classified as a Variant of Uncertain Significance. This variant has not been reported in the literature in individuals affected with RNF213-related conditions. This variant is present in population databases (rs202119991, gnomAD 0.02%). This sequence change replaces arginine, which is basic and polar, with glutamine, which is neutral and polar, at codon 3559 of the RNF213 protein (p.Arg3559Gln).